The following is an entry in ClinVar:

ClinVar aggregate classification (germline): Uncertain significance (1 of 4 stars; one submission).

Conditions:
Limb-girdle muscular dystrophy due to POMK deficiency. Also called: MUSCULAR DYSTROPHY-DYSTROGLYCANOPATHY, LIMB-GIRDLE, POMK-RELATED; Muscular dystrophy-dystroglycanopathy (limb-girdle), type c, 12. Identifiers: Orphanet 445110, MedGen C4015184, MONDO:0014489, OMIM 616094.
Muscular dystrophy-dystroglycanopathy (congenital with brain and eye anomalies), type a, 12 (MDDGA12). Also called: WALKER-WARBURG SYNDROME OR MUSCLE-EYE-BRAIN DISEASE, POMK-RELATED. Identifiers: Orphanet 899, MedGen C3808964, MONDO:0014101, OMIM 615249.

Allele frequency attached by ClinVar (database versions not stated): gnomAD exomes below 0.00001.
gnomAD v4.1: 4 of 1,614,198 alleles (0.00025%); highest among the groups gnomAD compares: Non-Finnish European, 0.00034%; no homozygotes.

Submission:

Labcorp Genetics (formerly Invitae), Labcorp
Classification: Uncertain significance for Muscular dystrophy-dystroglycanopathy (congenital with brain and eye anomalies), type a, 12; Limb-girdle muscular dystrophy due to POMK deficiency. Last evaluated: 2019-07-04. Review status: criteria provided, single submitter. Criteria: Invitae Variant Classification Sherloc (09022015). Collection method: clinical testing. Allele origin: germline.
Comment: In summary, the available evidence is currently insufficient to determine the role of this variant in disease. Therefore, it has been classified as a Variant of Uncertain Significance. Algorithms developed to predict the effect of missense changes on protein structure and function are either unavailable or do not agree on the potential impact of this missense change (SIFT: "Deleterious"; PolyPhen-2: "Benign"; Align-GVGD: "Class C0"). This sequence change replaces aspartic acid with histidine at codon 287 of the POMK protein (p.Asp287His). The aspartic acid residue is highly conserved and there is a moderate physicochemical difference between aspartic acid and histidine. This variant has not been reported in the literature in individuals with POMK-related conditions. This variant is not present in population databases (ExAC no frequency).

NM_032237.5(POMK):c.859G>C (p.Asp287His)

Gene: POMK (protein O-mannose kinase; plus strand). Cytogenetic location: 8p11.21.
Variant type: single nucleotide variant.
Coding change: c.859G>C on transcript NM_032237.5 (MANE Select); coding-DNA position 859, G replaced by C.
Protein change: p.Asp287His; replaces aspartic acid 287 with histidine.
Molecular consequence: missense variant.
Genome position (GRCh38, 1-based): chr8:43,122,683, G>C. VCF-style: chr8-43122683-G-C. GRCh37 (hg19) VCF-style: chr8-42977826-G-C.
Other names: c.859G>C, p.Asp287His (NM_001277971.2); short protein forms D287H.
Identifiers: ClinVar variation 944706 (VCV000944706.6), dbSNP rs1811947241, ClinGen allele CA371122833.